The following is an entry in ClinVar:

NC_000009.11:g.(?_116925291)_(116930953_?)del

Gene: COL27A1 (collagen type XXVII alpha 1 chain; plus strand). Cytogenetic location: 9q32.
Variant type: Deletion.
Identifiers: ClinVar variation 3245370 (VCV003245370.1).

ClinVar aggregate classification (germline): Likely pathogenic (1 of 4 stars; one submission).

Submission:

Labcorp Genetics (formerly Invitae), Labcorp
Classification: Likely pathogenic. Last evaluated: 2023-05-16. Review status: criteria provided, single submitter. Criteria: Invitae Variant Classification Sherloc (09022015). Collection method: clinical testing. Allele origin: unknown.
Comment: This variant results in the deletion of part of exon 3 (c.133+226_1118del) of the COL27A1 gene. It is expected to disrupt RNA splicing. Variants that disrupt the donor or acceptor splice site typically lead to a loss of protein function (PMID: 16199547), and loss-of-function variants in COL27A1 are known to be pathogenic (PMID: 24986830, 28276056). This variant has not been reported in the literature in individuals affected with COL27A1-related conditions. In summary, the currently available evidence indicates that the variant is pathogenic, but additional data are needed to prove that conclusively. Therefore, this variant has been classified as Likely Pathogenic.

Literature cited by the submitters: PubMed 16199547; PubMed 24986830; PubMed 28276056.